The following is an entry in ClinVar:

ClinVar aggregate classification (germline): Likely benign (0 of 4 stars; one submission).

Conditions:
PLXNA2-related disorder. Also called: PLXNA2-related condition.

Allele frequency attached by ClinVar (database versions not stated): ExAC 0.00002; gnomAD exomes 0.00002; TOPMed 0.00002; gnomAD 0.00003; ESP Exome Variant Server 0.00008.
gnomAD v4.1: 32 of 1,613,358 alleles (0.002%); highest among the groups gnomAD compares: East Asian, 0.0067%; no homozygotes.

Submission:

PreventionGenetics, part of Exact Sciences
Classification: Likely benign for PLXNA2-related condition. Last evaluated: 2022-03-23. Review status: no assertion criteria provided. Collection method: clinical testing. Allele origin: germline.
Comment: This variant is classified as likely benign based on ACMG/AMP sequence variant interpretation guidelines (Richards et al. 2015 PMID: 25741868, with internal and published modifications).

NM_025179.4(PLXNA2):c.5502C>T (p.Ala1834=)

Gene: PLXNA2 (plexin A2; minus strand). Cytogenetic location: 1q32.2.
Variant type: single nucleotide variant.
Coding change: c.5502C>T on transcript NM_025179.4 (MANE Select); coding-DNA position 5502, C replaced by T.
Protein change: p.Ala1834=; no amino-acid change (alanine 1834 retained).
Molecular consequence: synonymous variant.
Genome position (GRCh38, 1-based): chr1:208,028,096, G>A on the plus strand (C>T on the coding strand, the complement: PLXNA2 is on the minus strand). VCF-style: chr1-208028096-G-A. GRCh37 (hg19) VCF-style: chr1-208201441-G-A.
Identifiers: ClinVar variation 3031513 (VCV003031513.2), dbSNP rs148742246, ClinGen allele CA1372543.
Genomic context (GRCh38, chr1:208,028,096, plus strand): 5'-GTAGATCTCATTGAGGGCACTCAGCATGTTGAACTCCACGGCGTGCAGGCGGGACTGCTC[G>A]GCGAGGTAGGCATTCATGTCCTGGTCACTGATGGCTGGGAGCTTGGCGATGTCTGCGTAG-3'
Protein context (NP_079455.3, residues 1824-1844): ISDQDMNAYL[Ala1834=]EQSRLHAVEF